The following is an entry in ClinVar:

ClinVar aggregate classification (germline): Likely benign. Review status: criteria provided, multiple submitters, no conflicts (2 of 4 stars). 2 submissions from 2 submitters: Likely benign (2). Last evaluated 2025-09-01.

gnomAD v4.1: 29 of 1,613,778 alleles (0.0018%); highest among the groups gnomAD compares: Non-Finnish European, 0.0025%; no homozygotes.

Submissions (2):

CeGaT Center for Human Genetics Tuebingen
Classification: Likely benign. Last evaluated: 2025-09-01. Review status: criteria provided, single submitter. Criteria: CeGaT Center For Human Genetics Tuebingen Variant Classification Criteria Version 2. Collection method: clinical testing. Allele origin: germline. Affected: yes. Observed: 2 variant alleles.
Comment: VPS13C: BP4, BP7

Labcorp Genetics (formerly Invitae), Labcorp
Classification: Likely benign. Last evaluated: 2022-03-19. Review status: criteria provided, single submitter. Criteria: Invitae Variant Classification Sherloc (09022015). Collection method: clinical testing. Allele origin: germline.

NM_020821.3(VPS13C):c.8017C>A (p.Arg2673=)

Gene: VPS13C (vacuolar protein sorting 13 homolog C; minus strand). Cytogenetic location: 15q22.2.
Variant type: single nucleotide variant.
Coding change: c.8017C>A on transcript NM_020821.3 (MANE Select); coding-DNA position 8017, C replaced by A.
Protein change: p.Arg2673=; no amino-acid change (arginine 2673 retained).
Molecular consequence: synonymous variant.
Genome position (GRCh38, 1-based): chr15:61,917,379, G>T on the plus strand (C>A on the coding strand, the complement: VPS13C is on the minus strand). VCF-style: chr15-61917379-G-T. GRCh37 (hg19) VCF-style: chr15-62209578-G-T.
Other names: c.8017C>A, p.Arg2673= (NM_001018088.3); c.7888C>A, p.Arg2630= (NM_017684.5, NM_018080.4).
Identifiers: ClinVar variation 1943878 (VCV001943878.29), dbSNP rs752109410, ClinGen allele CA7595112.